The following is an entry in ClinVar:

NM_001371727.1(GABRB2):c.1154C>G (p.Thr385Ser)

Gene: GABRB2 (gamma-aminobutyric acid type A receptor subunit beta2; minus strand). Cytogenetic location: 5q34.
Variant type: single nucleotide variant.
Coding change: c.1154C>G on transcript NM_001371727.1 (MANE Select); coding-DNA position 1154, C replaced by G.
Protein change: p.Thr385Ser; replaces threonine 385 with serine.
Molecular consequence: missense variant. On other transcripts: intron variant (1).
Genome position (GRCh38, 1-based): chr5:161,326,405, G>C on the plus strand (C>G on the coding strand, the complement: GABRB2 is on the minus strand). VCF-style: chr5-161326405-G-C. GRCh37 (hg19) VCF-style: chr5-160753412-G-C.
Other names: c.1154C>G, p.Thr385Ser (NM_021911.3); c.1077+4478C>G (NM_000813.3); short protein forms T385S.
Identifiers: ClinVar variation 1441172 (VCV001441172.6), dbSNP rs373905764, ClinGen allele CA3543397.
Genomic context (GRCh38, chr5:161,326,405, plus strand): 5'-GGATTAAAAACTGGCTATCTAACCGTATACAGAGAGAAATCGTAATTGGTAGTCCGTCTA[G>C]TTGGGGAGAGGTTTCCAGTAGGGTCCCACAAGGATCGATATTGGGTCCCATTTTGTTTAA-3'
Protein context (NP_001358656.1, residues 375-395): LWDPTGNLSP[Thr385Ser]RRTTNYDFSL

ClinVar aggregate classification (germline): Uncertain significance (1 of 4 stars; one submission).

Conditions:
Intellectual disability. Also called: Intellectual functioning disability; Intellectual developmental disorder; intellectual disabilities. Identifiers: MedGen C3714756, MeSH D008607, MONDO:0001071, HP:0001249.

Allele frequency attached by ClinVar (database versions not stated): gnomAD exomes below 0.00001 and 0.00001; ExAC 0.00001; gnomAD 0.00001; TOPMed 0.00001; ESP Exome Variant Server 0.00008.
gnomAD v4.1: 22 of 1,613,604 alleles (0.0014%); highest among the groups gnomAD compares: Non-Finnish European, 0.0019%; no homozygotes.

Submission:

Labcorp Genetics (formerly Invitae), Labcorp
Classification: Uncertain significance for Intellectual disability. Last evaluated: 2026-02-03. Review status: criteria provided, single submitter. Criteria: Invitae Variant Classification Sherloc (09022015). Collection method: clinical testing. Allele origin: germline.
Comment: This sequence change replaces threonine, which is neutral and polar, with serine, which is neutral and polar, at codon 385 of the GABRB2 protein (p.Thr385Ser). This variant is present in population databases (rs373905764, gnomAD 0.0009%). This variant has not been reported in the literature in individuals affected with GABRB2-related conditions. ClinVar contains an entry for this variant (Variation ID: 1441172). Invitae Evidence Modeling of protein sequence and biophysical properties (such as structural, functional, and spatial information, amino acid conservation, physicochemical variation, residue mobility, and thermodynamic stability) indicates that this missense variant is not expected to disrupt GABRB2 protein function with a negative predictive value of 95%. In summary, the available evidence is currently insufficient to determine the role of this variant in disease. Therefore, it has been classified as a Variant of Uncertain Significance.